The following is an entry in ClinVar:

NM_002470.4(MYH3):c.1002+2dup

Gene: MYH3 (myosin heavy chain 3; minus strand). Cytogenetic location: 17p13.1.
Variant type: Duplication.
Coding change: c.1002+2dup on transcript NM_002470.4 (MANE Select); the canonical splice donor site of the intron after coding-DNA position 1002, one base duplicated (T; older notation c.1002+2dupT).
Molecular consequence: splice donor variant.
Genome position (GRCh38, 1-based): chr17:10,645,927, A duplicated on the plus strand (T on the coding strand, the reverse complement: MYH3 is on the minus strand). VCF-style (leftmost placement, unchanged base first): chr17-10645926-T-TA. GRCh37 (hg19) VCF-style: chr17-10549243-T-TA.
Identifiers: ClinVar variation 2029972 (VCV002029972.4), dbSNP rs1257279285, ClinGen allele CA725972366.

ClinVar aggregate classification (germline): Uncertain significance (1 of 4 stars; one submission).

Submission:

Labcorp Genetics (formerly Invitae), Labcorp
Classification: Uncertain significance. Last evaluated: 2022-10-13. Review status: criteria provided, single submitter. Criteria: Invitae Variant Classification Sherloc (09022015). Collection method: clinical testing. Allele origin: germline.
Comment: In summary, the available evidence is currently insufficient to determine the role of this variant in disease. Therefore, it has been classified as a Variant of Uncertain Significance. This sequence change falls in intron 11 of the MYH3 gene. It does not directly change the encoded amino acid sequence of the MYH3 protein. It affects a nucleotide within the consensus splice site. This variant is not present in population databases (gnomAD no frequency). This variant has not been reported in the literature in individuals affected with MYH3-related conditions. Variants that disrupt the consensus splice site are a relatively common cause of aberrant splicing (PMID: 17576681, 9536098). Algorithms developed to predict the effect of sequence changes on RNA splicing suggest that this variant may disrupt the consensus splice site.

Literature cited by the submitters: PubMed 17576681; PubMed 9536098.